The following is an entry in ClinVar:

NM_020987.5(ANK3):c.3034C>T (p.Arg1012Cys)

Gene: ANK3 (ankyrin 3; minus strand). Cytogenetic location: 10q21.2.
Variant type: single nucleotide variant.
Coding change: c.3034C>T on transcript NM_020987.5 (MANE Select); coding-DNA position 3034, C replaced by T.
Protein change: p.Arg1012Cys; replaces arginine 1012 with cysteine.
Molecular consequence: missense variant.
Genome position (GRCh38, 1-based): chr10:60,108,969, G>A on the plus strand (C>T on the coding strand, the complement: ANK3 is on the minus strand). VCF-style: chr10-60108969-G-A. GRCh37 (hg19) VCF-style: chr10-61868727-G-A.
Other names: c.436C>T, p.Arg146Cys (NM_001149.4); c.3016C>T, p.Arg1006Cys (NM_001204403.2); c.3037C>T, p.Arg1013Cys (NM_001204404.2); c.3034C>T, p.Arg1012Cys (NM_001320874.2); short protein forms R1012C, R1013C, R146C, R1006C.
Identifiers: ClinVar variation 2363573 (VCV002363573.3), dbSNP rs2132095747, ClinGen allele CA376993001.

ClinVar aggregate classification (germline): Uncertain significance. Review status: criteria provided, multiple submitters, no conflicts (2 of 4 stars). 2 submissions from 2 submitters: Uncertain significance (2). Last evaluated 2025-03-31.

Conditions:
Inborn genetic diseases. Identifiers: MedGen C0950123, MeSH D030342.

Allele frequency attached by ClinVar (database versions not stated): gnomAD 0.00001; 1000 Genomes Project 30x 0.00031.
gnomAD v4.1: 1 of 1,613,980 alleles (0.000062%); highest among the groups gnomAD compares: Non-Finnish European, 0.000085%; no homozygotes.

Submissions (2):

Labcorp Genetics (formerly Invitae), Labcorp
Classification: Uncertain significance. Last evaluated: 2025-03-31. Review status: criteria provided, single submitter. Criteria: Invitae Variant Classification Sherloc (09022015). Collection method: clinical testing. Allele origin: germline.
Comment: This sequence change replaces arginine, which is basic and polar, with cysteine, which is neutral and slightly polar, at codon 1012 of the ANK3 protein (p.Arg1012Cys). This variant is not present in population databases (gnomAD no frequency). This variant has not been reported in the literature in individuals affected with ANK3-related conditions. ClinVar contains an entry for this variant (Variation ID: 2363573). Invitae Evidence Modeling of protein sequence and biophysical properties (such as structural, functional, and spatial information, amino acid conservation, physicochemical variation, residue mobility, and thermodynamic stability) indicates that this missense variant is not expected to disrupt ANK3 protein function with a negative predictive value of 80%. In summary, the available evidence is currently insufficient to determine the role of this variant in disease. Therefore, it has been classified as a Variant of Uncertain Significance.

Ambry Genetics
Classification: Uncertain significance for Inborn genetic diseases. Last evaluated: 2022-05-02. Review status: criteria provided, single submitter. Criteria: Ambry Variant Classification Scheme 2023. Collection method: clinical testing. Allele origin: germline.
Comment: The c.3034C>T (p.R1012C) alteration is located in exon 27 (coding exon 27) of the ANK3 gene. This alteration results from a C to T substitution at nucleotide position 3034, causing the arginine (R) at amino acid position 1012 to be replaced by a cysteine (C). This variant was not reported in population-based cohorts in the Genome Aggregation Database (gnomAD). This amino acid position is highly conserved in available vertebrate species. The in silico prediction for this alteration is inconclusive. Based on insufficient or conflicting evidence, the clinical significance of this alteration remains unclear.